The following is an entry in ClinVar:

ClinVar aggregate classification (germline): Uncertain significance. Review status: criteria provided, multiple submitters, no conflicts (2 of 4 stars). 2 submissions from 2 submitters: Uncertain significance (2). Last evaluated 2023-12-31.

Conditions:
Gastrointestinal stromal tumor. Also called: Gastrointestinal stromal tumor, somatic; Gastrointestinal stroma tumor. Identifiers: Orphanet 44890, MedGen C0238198, MeSH D046152, MONDO:0011719, OMIM 606764, HP:0100723.
Pheochromocytoma/paraganglioma syndrome 3. Also called: GLOMUS TUMORS, FAMILIAL, 3; SDHC-Related Hereditary Paraganglioma-Pheochromocytoma Syndrome (Paragangliomas 3); Paragangliomas 3; SDHC-Related Hereditary Paraganglioma-Pheochromocytoma Syndrome. Identifiers: Orphanet 29072, MedGen C1854336, MONDO:0011544, OMIM 605373.
Hereditary cancer-predisposing syndrome. Also called: Tumor predisposition; Neoplastic Syndromes, Hereditary; Hereditary neoplastic syndrome; Hereditary Cancer Syndrome. Identifiers: Orphanet 140162, MedGen C0027672, MeSH D009386, MONDO:0015356.

Allele frequency attached by ClinVar (database versions not stated): gnomAD exomes 0.00001; ExAC 0.00002.
gnomAD v4.1: 7 of 1,613,178 alleles (0.00043%); highest among the groups gnomAD compares: South Asian, 0.0077%; no homozygotes.

Submissions (2):

Labcorp Genetics (formerly Invitae), Labcorp
Classification: Uncertain significance for Pheochromocytoma/paraganglioma syndrome 3; Gastrointestinal stromal tumor. Last evaluated: 2023-12-31. Review status: criteria provided, single submitter. Criteria: Invitae Variant Classification Sherloc (09022015). Collection method: clinical testing. Allele origin: germline.
Comment: This sequence change replaces histidine, which is basic and polar, with arginine, which is basic and polar, at codon 8 of the SDHC protein (p.His8Arg). This variant is present in population databases (rs776123707, gnomAD 0.006%). This variant has not been reported in the literature in individuals affected with SDHC-related conditions. ClinVar contains an entry for this variant (Variation ID: 1042345). Algorithms developed to predict the effect of missense changes on protein structure and function output the following: SIFT: "Not Available"; PolyPhen-2: "Benign"; Align-GVGD: "Not Available". The arginine amino acid residue is found in multiple mammalian species, which suggests that this missense change does not adversely affect protein function. In summary, the available evidence is currently insufficient to determine the role of this variant in disease. Therefore, it has been classified as a Variant of Uncertain Significance.

Ambry Genetics
Classification: Uncertain significance for Hereditary cancer-predisposing syndrome. Last evaluated: 2021-03-22. Review status: criteria provided, single submitter. Criteria: Ambry Variant Classification Scheme 2023. Collection method: clinical testing. Allele origin: germline.
Comment: The p.H8R variant (also known as c.23A>G), located in coding exon 2 of the SDHC gene, results from an A to G substitution at nucleotide position 23. The histidine at codon 8 is replaced by arginine, an amino acid with highly similar properties. This amino acid position is well conserved in available vertebrate species. In addition, the in silico prediction for this alteration is inconclusive. Since supporting evidence is limited at this time, the clinical significance of this alteration remains unclear.

NM_003001.5(SDHC):c.23A>G (p.His8Arg)

Gene: SDHC (succinate dehydrogenase complex subunit C; plus strand). Cytogenetic location: 1q23.3.
Variant type: single nucleotide variant.
Coding change: c.23A>G on transcript NM_003001.5 (MANE Select); coding-DNA position 23, A replaced by G.
Protein change: p.His8Arg; replaces histidine 8 with arginine.
Molecular consequence: missense variant. On other transcripts: 5 prime UTR variant (2), non-coding transcript variant (1), intron variant (4).
Genome position (GRCh38, 1-based): chr1:161,323,616, A>G. VCF-style: chr1-161323616-A-G. GRCh37 (hg19) VCF-style: chr1-161293406-A-G.
Other names: c.23A>G, p.His8Arg (NM_001035511.3, NM_001035512.3, NM_001278172.3 and 2 more transcripts); c.-89A>G (NM_001407119.1); c.-207A>G (NM_001407120.1); c.21-4780A>G (NM_001407116.1, NM_001407121.1, NM_001407117.1); c.20+9191A>G (NM_001035513.3); short protein forms H8R.
Identifiers: ClinVar variation 1042345 (VCV001042345.12), dbSNP rs776123707, ClinGen allele CA046629.